The following is an entry in ClinVar:

ClinVar aggregate classification (germline): Pathogenic. Review status: criteria provided, multiple submitters, no conflicts (2 of 4 stars). 3 submissions from 3 submitters: Pathogenic (3). Last evaluated 2025-07-14.

Conditions:
Hereditary nonpolyposis colorectal neoplasms. Identifiers: MedGen C0009405, MeSH D003123.
Hereditary cancer-predisposing syndrome. Also called: Hereditary Cancer Syndrome; Hereditary neoplastic syndrome; Tumor predisposition; Neoplastic Syndromes, Hereditary. Identifiers: Orphanet 140162, MedGen C0027672, MeSH D009386, MONDO:0015356.
Lynch syndrome 4 (LYNCH4). Also called: Colorectal cancer, hereditary nonpolyposis, type 4; Hereditary non-polyposis colorectal cancer, type 4. Identifiers: Orphanet 144, MedGen C1838333, MONDO:0013699, OMIM 614337. Disease mechanism: loss of function.

Submissions (3):

Ambry Genetics
Classification: Pathogenic for Hereditary cancer-predisposing syndrome. Last evaluated: 2025-07-14. Review status: criteria provided, single submitter. Criteria: Ambry Variant Classification Scheme 2023. Collection method: clinical testing. Allele origin: germline.
Comment: The c.2281delG pathogenic mutation, located in coding exon 14 of the PMS2 gene, results from a deletion of one nucleotide at nucleotide position 2281, causing a translational frameshift with a predicted alternate stop codon (p.V761Sfs*7). This variant is considered to be rare based on population cohorts in the Genome Aggregation Database (gnomAD). This alteration is expected to result in loss of function by premature protein truncation or nonsense-mediated mRNA decay. As such, this alteration is interpreted as a disease-causing mutation.

Myriad Genetics, Inc.
Classification: Pathogenic for Lynch syndrome 4. Last evaluated: 2023-09-22. Review status: criteria provided, single submitter. Criteria: Myriad Autosomal Dominant, Autosomal Recessive and X-Linked Classification Criteria (2023). Collection method: clinical testing. Allele origin: unknown.
Comment: This variant is considered pathogenic. This variant creates a frameshift predicted to result in premature protein truncation.

Labcorp Genetics (formerly Invitae), Labcorp
Classification: Pathogenic for Hereditary nonpolyposis colorectal neoplasms. Last evaluated: 2023-08-16. Review status: criteria provided, single submitter. Criteria: Invitae Variant Classification Sherloc (09022015). Collection method: clinical testing. Allele origin: germline.
Comment: For these reasons, this variant has been classified as Pathogenic. ClinVar contains an entry for this variant (Variation ID: 1788949). This variant has not been reported in the literature in individuals affected with PMS2-related conditions. The frequency data for this variant in the population databases (gnomAD) is considered unreliable due to the presence of homologous sequence, such as pseudogenes or paralogs, in the genome. This sequence change creates a premature translational stop signal (p.Val761Serfs*7) in the PMS2 gene. It is expected to result in an absent or disrupted protein product. Loss-of-function variants in PMS2 are known to be pathogenic (PMID: 21376568, 24362816).

Literature cited by the submitters: PubMed 21376568 (cited by Labcorp Genetics (formerly Invitae), Labcorp); PubMed 24362816 (cited by Labcorp Genetics (formerly Invitae), Labcorp).

NM_000535.7(PMS2):c.2281del (p.Val761fs)

Gene: PMS2 (PMS1 homolog 2, mismatch repair system component; minus strand). Cytogenetic location: 7p22.1.
Variant type: Deletion.
Coding change: c.2281del on transcript NM_000535.7 (MANE Select); coding-DNA position 2281, one base deleted (G; older notation c.2281delG).
Protein change: p.Val761fs; shifts the reading frame from valine 761.
Molecular consequence: frameshift variant.
Genome position (GRCh38, 1-based): chr7:5,977,752, C deleted on the plus strand (G on the coding strand, the reverse complement: PMS2 is on the minus strand). VCF-style (leftmost placement, unchanged base first): chr7-5977751-AC-A. GRCh37 (hg19) VCF-style: chr7-6017382-AC-A.
Other names: c.1876delG, p.Val626Serfs (NM_001018040.1, NM_001406889.1, NM_001406890.1 and 9 more transcripts); c.1876del, p.Val626fs (NM_001322003.2, NM_001322004.2, NM_001322005.2); c.2125del, p.Val709fs (NM_001322006.2); c.1963del, p.Val655fs (NM_001322007.2, NM_001322008.2); c.1909del, p.Val637fs (NM_001322009.2); c.1720del, p.Val574fs (NM_001322010.2); c.1348del, p.Val450fs (NM_001322011.2, NM_001322012.2); c.1708del, p.Val570fs (NM_001322013.2); and 24 more; short protein forms V570fs, V655fs, V658fs, V772fs, V626fs, V637fs, V709fs, V450fs.
Identifiers: ClinVar variation 1788949 (VCV001788949.7), dbSNP rs2535342363, ClinGen allele CA2580076808.